The following is an entry in ClinVar:

ClinVar aggregate classification (germline): Conflicting classifications of pathogenicity. Review status: criteria provided, conflicting classifications (1 of 4 stars). 2 submissions from 2 submitters: Uncertain significance (1); Likely benign (1). Last evaluated 2023-03-23.

Conditions:
Hereditary cancer-predisposing syndrome. Also called: Hereditary Cancer Syndrome; Hereditary neoplastic syndrome; Neoplastic Syndromes, Hereditary; Tumor predisposition. Identifiers: Orphanet 140162, MedGen C0027672, MeSH D009386, MONDO:0015356.

Submissions (2):

University of Washington Department of Laboratory Medicine, University of Washington
Classification: Likely benign for Hereditary cancer-predisposing syndrome. Last evaluated: 2023-03-23. Review status: criteria provided, single submitter. Criteria: Dines et al. (Genet Med. 2020). Collection method: curation. Allele origin: germline.
Comment: Missense variant in a coldspot region where missense variants are very unlikely to be pathogenic (PMID:31911673).

BRCA2 exon 10 coldspot. Reclassification based on statistical prior probability.

Ambry Genetics
Classification: Uncertain significance for Hereditary cancer-predisposing syndrome. Last evaluated: 2020-12-08. Review status: criteria provided, single submitter. Criteria: Ambry Variant Classification Scheme 2023. Collection method: clinical testing. Allele origin: germline.
Comment: The p.K322N variant (also known as c.966A>T), located in coding exon 9 of the BRCA2 gene, results from an A to T substitution at nucleotide position 966. The lysine at codon 322 is replaced by asparagine, an amino acid with similar properties. This amino acid position is well conserved in available vertebrate species. In addition, this alteration is predicted to be tolerated by in silico analysis. Since supporting evidence is limited at this time, the clinical significance of this alteration remains unclear.

NM_000059.4(BRCA2):c.966A>T (p.Lys322Asn)

Gene: BRCA2 (BRCA2 DNA repair associated; plus strand). Cytogenetic location: 13q13.1.
Variant type: single nucleotide variant.
Coding change: c.966A>T on transcript NM_000059.4 (MANE Select); coding-DNA position 966, A replaced by T.
Protein change: p.Lys322Asn; replaces lysine 322 with asparagine.
Molecular consequence: missense variant.
Genome position (GRCh38, 1-based): chr13:32,332,444, A>T. VCF-style: chr13-32332444-A-T. GRCh37 (hg19) VCF-style: chr13-32906581-A-T.
Other names: c.966A>T, p.Lys322Asn (NM_001406719.1, NM_001406720.1, NM_001406721.1); short protein forms K322N.
Identifiers: ClinVar variation 1767719 (VCV001767719.4), dbSNP rs879255473, ClinGen allele CA387760905.